The following is an entry in ClinVar:

ClinVar aggregate classification (germline): Uncertain significance (1 of 4 stars; one submission).

Allele frequency attached by ClinVar (database versions not stated): TOPMed below 0.00001; gnomAD 0.00001; gnomAD exomes 0.00001.

Submission:

Labcorp Genetics (formerly Invitae), Labcorp
Classification: Uncertain significance. Last evaluated: 2022-08-18. Review status: criteria provided, single submitter. Criteria: Invitae Variant Classification Sherloc (09022015). Collection method: clinical testing. Allele origin: germline.
Comment: In summary, the available evidence is currently insufficient to determine the role of this variant in disease. Therefore, it has been classified as a Variant of Uncertain Significance. Algorithms developed to predict the effect of missense changes on protein structure and function are either unavailable or do not agree on the potential impact of this missense change (SIFT: "Tolerated"; PolyPhen-2: "Possibly Damaging"; Align-GVGD: "Class C15"). This variant has not been reported in the literature in individuals affected with ERBB2-related conditions. This variant is not present in population databases (gnomAD no frequency). This sequence change replaces serine, which is neutral and polar, with phenylalanine, which is neutral and non-polar, at codon 609 of the ERBB2 protein (p.Ser609Phe).

NM_004448.4(ERBB2):c.1826C>T (p.Ser609Phe)

Gene: ERBB2 (erb-b2 receptor tyrosine kinase 2; plus strand). Cytogenetic location: 17q12.
Variant type: single nucleotide variant.
Coding change: c.1826C>T on transcript NM_004448.4 (MANE Select); coding-DNA position 1826, C replaced by T.
Protein change: p.Ser609Phe; replaces serine 609 with phenylalanine.
Molecular consequence: missense variant. On other transcripts: non-coding transcript variant (1), intron variant (1).
Genome position (GRCh38, 1-based): chr17:39,717,408, C>T. VCF-style: chr17-39717408-C-T. GRCh37 (hg19) VCF-style: chr17-37873661-C-T.
Other names: c.1736C>T, p.Ser579Phe (NM_001005862.3, NM_001289938.2, NM_001382782.1 and 1 more transcripts); c.1781C>T, p.Ser594Phe (NM_001289936.2); c.1826C>T, p.Ser609Phe (NM_001289937.2, NM_001382792.1, NM_001382793.1 and 9 more transcripts); c.1943C>T, p.Ser648Phe (NM_001382784.1, NM_001382786.1); c.1928C>T, p.Ser643Phe (NM_001382785.1); c.1901C>T, p.Ser634Phe (NM_001382787.1); c.1856C>T, p.Ser619Phe (NM_001382788.1); c.1847C>T, p.Ser616Phe (NM_001382789.1); and 6 more; short protein forms S523F, S643F, S333F, S549F, S579F, S609F, S619F, S634F.
Identifiers: ClinVar variation 2084709 (VCV002084709.4), dbSNP rs1304926892, ClinGen allele CA399295722.